The following is an entry in ClinVar:

NM_152703.5(SAMD9L):c.4532A>T (p.Asp1511Val)

Gene: SAMD9L (sterile alpha motif domain containing 9 like; minus strand). Cytogenetic location: 7q21.2.
Variant type: single nucleotide variant.
Coding change: c.4532A>T on transcript NM_152703.5 (MANE Select); coding-DNA position 4532, A replaced by T.
Protein change: p.Asp1511Val; replaces aspartic acid 1511 with valine.
Molecular consequence: missense variant.
Genome position (GRCh38, 1-based): chr7:93,131,440, T>A on the plus strand (A>T on the coding strand, the complement: SAMD9L is on the minus strand). VCF-style: chr7-93131440-T-A. GRCh37 (hg19) VCF-style: chr7-92760753-T-A.
Other names: c.4532A>T, p.Asp1511Val (NM_001303496.3, NM_001303497.3, NM_001303498.3 and 5 more transcripts); short protein forms D1511V.
Identifiers: ClinVar variation 3792425 (VCV003792425.1).

ClinVar aggregate classification (germline): Uncertain significance (1 of 4 stars; one submission).

Conditions:
Inborn genetic diseases. Identifiers: MedGen C0950123, MeSH D030342.

Submission:

Ambry Genetics
Classification: Uncertain significance for Inborn genetic diseases. Last evaluated: 2025-02-15. Review status: criteria provided, single submitter. Criteria: Ambry Variant Classification Scheme 2023. Collection method: clinical testing. Allele origin: germline.
Comment: The p.D1511V variant (also known as c.4532A>T), located in coding exon 1 of the SAMD9L gene, results from an A to T substitution at nucleotide position 4532. The aspartic acid at codon 1511 is replaced by valine, an amino acid with highly dissimilar properties. This amino acid position is conserved. In addition, this alteration is predicted to be tolerated by in silico analysis. Based on the available evidence, the clinical significance of this variant remains unclear.